The following is an entry in ClinVar:

ClinVar aggregate classification (germline): Uncertain significance (1 of 4 stars; one submission).

Submission:

Labcorp Genetics (formerly Invitae), Labcorp
Classification: Uncertain significance. Last evaluated: 2026-02-03. Review status: criteria provided, single submitter. Criteria: Invitae Variant Classification Sherloc (09022015). Collection method: clinical testing. Allele origin: germline.
Comment: This sequence change replaces isoleucine, which is neutral and non-polar, with threonine, which is neutral and polar, at codon 1326 of the POLE protein (p.Ile1326Thr). This variant is not present in population databases (gnomAD no frequency). This variant has not been reported in the literature in individuals affected with POLE-related conditions. Invitae Evidence Modeling of protein sequence and biophysical properties (such as structural, functional, and spatial information, amino acid conservation, physicochemical variation, residue mobility, and thermodynamic stability) indicates that this missense variant is not expected to disrupt POLE protein function with a negative predictive value of 80%. In summary, the available evidence is currently insufficient to determine the role of this variant in disease. Therefore, it has been classified as a Variant of Uncertain Significance.

NM_006231.4(POLE):c.3977T>C (p.Ile1326Thr)

Gene: POLE (DNA polymerase epsilon, catalytic subunit; minus strand). Cytogenetic location: 12q24.33.
Variant type: single nucleotide variant.
Coding change: c.3977T>C on transcript NM_006231.4 (MANE Select); coding-DNA position 3977, T replaced by C.
Protein change: p.Ile1326Thr; replaces isoleucine 1326 with threonine.
Molecular consequence: missense variant.
Genome position (GRCh38, 1-based): chr12:132,649,334, A>G on the plus strand (T>C on the coding strand, the complement: POLE is on the minus strand). VCF-style: chr12-132649334-A-G. GRCh37 (hg19) VCF-style: chr12-133225920-A-G.
Other names: short protein forms I1326T.
Identifiers: ClinVar variation 4769739 (VCV004769739.1).